The following is an entry in ClinVar:

ClinVar aggregate classification (germline): Benign/Likely benign. Review status: criteria provided, multiple submitters, no conflicts (2 of 4 stars). 3 submissions from 2 submitters: Benign (2); Likely benign (1). Last evaluated 2018-07-07.

Conditions:
Neuronopathy, distal hereditary motor, type 2B. Also called: NEURONOPATHY, DISTAL HEREDITARY MOTOR, AUTOSOMAL DOMINANT 3; NEURONOPATHY, DISTAL HEREDITARY MOTOR, HARDING TYPE IIB; NEUROPATHY, DISTAL HEREDITARY MOTOR, HARDING TYPE IIB; HMN IIB. Identifiers: Orphanet 139525, MedGen C2608087, MONDO:0012080, OMIM 608634.
Charcot-Marie-Tooth disease axonal type 2F (CMT2F). Also called: CHARCOT-MARIE-TOOTH DISEASE, NEURONAL, TYPE 2F; Charcot-Marie-Tooth Neuropathy Type 2F. Identifiers: Orphanet 99940, MedGen C1847823, MONDO:0011687, OMIM 606595.

Allele frequency attached by ClinVar (database versions not stated): 1000 Genomes Project 0.00220; gnomAD 0.00315 and 0.00306; TOPMed 0.00159; 1000 Genomes Project 30x 0.00234.

Submissions (3):

GeneDx
Classification: Likely benign. Last evaluated: 2018-07-07. Review status: criteria provided, single submitter. Criteria: GeneDx Variant Classification Process June 2021. Collection method: clinical testing. Allele origin: germline. Affected: yes.

Illumina Laboratory Services, Illumina
Classification: Benign for Charcot-Marie-Tooth disease axonal type 2F. Last evaluated: 2018-01-12. Review status: criteria provided, single submitter. Criteria: ICSL Variant Classification Criteria 13 December 2019. Collection method: clinical testing. Allele origin: germline.
Comment: This variant was observed in the ICSL laboratory as part of a predisposition screen in an ostensibly healthy population. It had not been previously curated by ICSL or reported in the Human Gene Mutation Database (HGMD: prior to June 1st, 2018), and was therefore a candidate for classification through an automated scoring system. Utilizing variant allele frequency, disease prevalence and penetrance estimates, and inheritance mode, an automated score was calculated to assess if this variant is too frequent to cause the disease. Based on the score and internal cut-off values, a variant classified as benign is not then subjected to further curation. The score for this variant resulted in a classification of benign for this disease.

Illumina Laboratory Services, Illumina
Classification: Benign for Neuronopathy, distal hereditary motor, type 2B. Last evaluated: 2018-01-12. Review status: criteria provided, single submitter. Criteria: ICSL Variant Classification Criteria 13 December 2019. Collection method: clinical testing. Allele origin: germline.
Comment: the same text as in the submission from Illumina Laboratory Services, Illumina above.

NM_001540.3(HSPB1):c.-56C>T

Gene: HSPB1 (heat shock protein family B (small) member 1; plus strand). Cytogenetic location: 7q11.23.
Variant type: single nucleotide variant.
Coding change: c.-56C>T on transcript NM_001540.3; 56 bases upstream of the start codon, C replaced by T.
Genome position (GRCh38, 1-based): chr7:76,302,657, C>T. VCF-style: chr7-76302657-C-T. GRCh37 (hg19) VCF-style: chr7-75931974-C-T.
Identifiers: ClinVar variation 911771 (VCV000911771.8), dbSNP rs35759978, ClinGen allele CA160898242.
Genomic context (GRCh38, chr7:76,302,657, plus strand): 5'-AATAGAGACCTCAAACACCGCCTGCTAAAAATACCCGACTGGAGGAGCATAAAAGCGCAG[C>T]CGAGCCCAGCGCCCCGCACTTTTCTGAGCAGACGTCCAGAGCAGAGTCAGCCAGCATGAC-3'